The following is an entry in ClinVar:

NM_004380.3(CREBBP):c.6559C>T (p.Pro2187Ser)

Gene: CREBBP (CREB binding lysine acetyltransferase; minus strand). Cytogenetic location: 16p13.3.
Variant type: single nucleotide variant.
Coding change: c.6559C>T on transcript NM_004380.3 (MANE Select); coding-DNA position 6559, C replaced by T.
Protein change: p.Pro2187Ser; replaces proline 2187 with serine.
Molecular consequence: missense variant.
Genome position (GRCh38, 1-based): chr16:3,728,488, G>A on the plus strand (C>T on the coding strand, the complement: CREBBP is on the minus strand). VCF-style: chr16-3728488-G-A. GRCh37 (hg19) VCF-style: chr16-3778489-G-A.
Other names: c.6445C>T, p.Pro2149Ser (NM_001079846.1); short protein forms P2149S, P2187S.
Identifiers: ClinVar variation 1701667 (VCV001701667.4), dbSNP rs2151303211, ClinGen allele CA394552447.
Genomic context (GRCh38, chr16:3,728,488, plus strand): 5'-GCTGCTGCTGTTGCTGCTGCTGCTGCAGCAGCTGCCTCCGTAACATTTCTCGGTACTGTG[G>A]ATTCATACTCGCCATGTTGGGGTTGTGTCCTGGGTTCATGATGTTCAAGGCCTGGCCCTG-3'
Protein context (NP_004371.2, residues 2177-2197): GHNPNMASMN[Pro2187Ser]QYREMLRRQL

ClinVar aggregate classification (germline): Uncertain significance. Review status: criteria provided, multiple submitters, no conflicts (2 of 4 stars). 3 submissions from 3 submitters: Uncertain significance (3). Last evaluated 2024-12-17.

Conditions:
Rubinstein-Taybi syndrome (RSTS). Identifiers: Orphanet 783, MedGen C0035934, MONDO:0019188.
Rubinstein-Taybi syndrome due to CREBBP mutations (RSTS1). Also called: BROAD THUMBS AND GREAT TOES, CHARACTERISTIC FACIES, AND IMPAIRED INTELLECTUAL DEVELOPMENT; RUBINSTEIN SYNDROME; Rubinstein-Taybi syndrome 1; BROAD THUMB-HALLUX SYNDROME; CREBBP-Related Rubinstein-Taybi Syndrome; RUBINSTEIN-TAYBI SYNDROME 1, INCOMPLETE. Identifiers: Orphanet 353277, Orphanet 783, MedGen C4551859, MONDO:0008393, OMIM 180849.

Submissions (3):

Labcorp Genetics (formerly Invitae), Labcorp
Classification: Uncertain significance for Rubinstein-Taybi syndrome. Last evaluated: 2024-12-17. Review status: criteria provided, single submitter. Criteria: Invitae Variant Classification Sherloc (09022015). Collection method: clinical testing. Allele origin: germline.
Comment: This sequence change replaces proline, which is neutral and non-polar, with serine, which is neutral and polar, at codon 2187 of the CREBBP protein (p.Pro2187Ser). This variant is not present in population databases (gnomAD no frequency). This variant has not been reported in the literature in individuals affected with CREBBP-related conditions. ClinVar contains an entry for this variant (Variation ID: 1701667). Invitae Evidence Modeling of protein sequence and biophysical properties (such as structural, functional, and spatial information, amino acid conservation, physicochemical variation, residue mobility, and thermodynamic stability) indicates that this missense variant is not expected to disrupt CREBBP protein function with a negative predictive value of 95%. In summary, the available evidence is currently insufficient to determine the role of this variant in disease. Therefore, it has been classified as a Variant of Uncertain Significance.

GeneDx
Classification: Uncertain significance. Last evaluated: 2024-12-16. Review status: criteria provided, single submitter. Criteria: GeneDx Variant Classification Process June 2021. Collection method: clinical testing. Allele origin: germline. Affected: yes.
Comment: Not observed at significant frequency in large population cohorts (gnomAD); In silico analysis supports that this missense variant has a deleterious effect on protein structure/function; Has not been previously published as pathogenic or benign to our knowledge

New York Genome Center
Classification: Uncertain significance for Rubinstein-Taybi syndrome due to CREBBP mutations. Last evaluated: 2021-09-10. Review status: criteria provided, single submitter. Criteria: NYGC Assertion Criteria 2020. Collection method: clinical testing. Allele origin: inherited. Observed: 1 heterozygote. Study: CSER-NYCKidSeq.